The following is an entry in ClinVar:

NM_014014.5(SNRNP200):c.3499A>G (p.Met1167Val)

Gene: SNRNP200 (small nuclear ribonucleoprotein U5 subunit 200; minus strand). Cytogenetic location: 2q11.2.
Variant type: single nucleotide variant.
Coding change: c.3499A>G on transcript NM_014014.5 (MANE Select); coding-DNA position 3499, A replaced by G.
Protein change: p.Met1167Val; replaces methionine 1167 with valine.
Molecular consequence: missense variant.
Genome position (GRCh38, 1-based): chr2:96,287,146, T>C on the plus strand (A>G on the coding strand, the complement: SNRNP200 is on the minus strand). VCF-style: chr2-96287146-T-C. GRCh37 (hg19) VCF-style: chr2-96952884-T-C.
Other names: short protein forms M1167V.
Identifiers: ClinVar variation 1355165 (VCV001355165.7), dbSNP rs1274194161, ClinGen allele CA347672508.

ClinVar aggregate classification (germline): Uncertain significance. Review status: criteria provided, multiple submitters, no conflicts (2 of 4 stars). 2 submissions from 2 submitters: Uncertain significance (2). Last evaluated 2023-09-05.

Allele frequency attached by ClinVar (database versions not stated): gnomAD 0.00001; gnomAD exomes 0.00001; TOPMed 0.00001.

Submissions (2):

Blueprint Genetics
Classification: Uncertain significance. Last evaluated: 2023-09-05. Review status: criteria provided, single submitter. Criteria: ACMG Guidelines, 2015. Collection method: clinical testing. Allele origin: germline.

Labcorp Genetics (formerly Invitae), Labcorp
Classification: Uncertain significance. Last evaluated: 2021-09-06. Review status: criteria provided, single submitter. Criteria: Invitae Variant Classification Sherloc (09022015). Collection method: clinical testing. Allele origin: germline.
Comment: This sequence change replaces methionine with valine at codon 1167 of the SNRNP200 protein (p.Met1167Val). The methionine residue is moderately conserved and there is a small physicochemical difference between methionine and valine. This variant is not present in population databases (ExAC no frequency). This variant has not been reported in the literature in individuals affected with SNRNP200-related conditions. Algorithms developed to predict the effect of missense changes on protein structure and function (SIFT, PolyPhen-2, Align-GVGD) all suggest that this variant is likely to be tolerated. In summary, the available evidence is currently insufficient to determine the role of this variant in disease. Therefore, it has been classified as a Variant of Uncertain Significance.